The following is an entry in ClinVar:

NM_024818.6(UBA5):c.32G>A (p.Arg11Gln)

Genes: UBA5 (ubiquitin like modifier activating enzyme 5; plus strand), NPHP3-ACAD11 (NPHP3-ACAD11 readthrough (NMD candidate); minus strand). Cytogenetic location: 3q22.1.
Variant type: single nucleotide variant.
Coding change: c.32G>A on transcript NM_024818.6 (MANE Select); coding-DNA position 32, G replaced by A.
Protein change: p.Arg11Gln; replaces arginine 11 with glutamine.
Molecular consequence: missense variant. On other transcripts: 5 prime UTR variant (3), intron variant (1).
Genome position (GRCh38, 1-based): chr3:132,660,569, G>A. VCF-style: chr3-132660569-G-A. GRCh37 (hg19) VCF-style: chr3-132379413-G-A.
Other names: c.-487G>A (NM_001320210.2); c.-453G>A (NM_001321238.2); c.-169G>A (NM_001321239.1); c.-7-5254G>A (NM_198329.4); short protein forms R11Q.
Identifiers: ClinVar variation 3377060 (VCV003377060.1).

ClinVar aggregate classification (germline): Uncertain significance (1 of 4 stars; one submission).

Conditions:
Developmental and epileptic encephalopathy, 44 (DEE44). Also called: Epileptic encephalopathy, early infantile, 44. Identifiers: MedGen C4310700, MONDO:0014933, OMIM 617132.

gnomAD v4.1: 37 of 1,550,552 alleles (0.0024%); highest among the groups gnomAD compares: South Asian, 0.042%; no homozygotes.

Submission:

Victorian Clinical Genetics Services, Murdoch Childrens Research Institute
Classification: Uncertain significance for Developmental and epileptic encephalopathy, 44. Last evaluated: 2024-10-09. Review status: criteria provided, single submitter. Criteria: ACMG Guidelines, 2015. Collection method: clinical testing. Allele origin: germline. Inheritance: Autosomal recessive inheritance. Affected: yes.
Comment: Based on the classification scheme VCGS_Germline_v1.3.4, this variant is classified as VUS-3A. Following criteria are met: 0102 - Loss of function is a known mechanism of disease in this gene and is associated with developmental and epileptic encephalopathy 44 (MIM#617132) and spinocerebellar ataxia, autosomal recessive 24 (MIM#617133). (I) 0106 - This gene is associated with autosomal recessive disease. (I) 0200 - Variant is predicted to result in a missense amino acid change from arginine to glutamine. (I) 0219 - This variant is non-coding in an alternative transcript. This variant is coding in the MANE select transcript; however, it is in the untranslated region (UTR) of three other transcripts. While it is not coding in the most highly expressed transcript, the splice junction used to retain our exon is highly expressed (GTEx). (I) 0251 - This variant is heterozygous. (I) 0304 - Variant is present in gnomAD <0.01 for a recessive condition (v2: 11 heterozygotes, 0 homozygotes). (SP) 0502 - Missense variant with conflicting in silico predictions and high conservation. (I) 0600 - Variant is located in the N-terminal region (PMID: 32179706). (I) 0703 - Another missense variant comparable to the one identified in this case has moderate previous evidence for pathogenicity. p.Arg11Trp has been reported as pathogenic in five homozygous individuals in one family affected with a severe congenital neuropathy causing early death (PMID: 32179706). (SP) 0807 - This variant has no previous evidence of pathogenicity. (I) 0905 - No published segregation evidence has been identified for this variant. (I) 1007 - No published functional evidence has been identified for this variant. (I) 1208 - Inheritance information for this variant is not currently available in this individual. (I) Legend: (SP) - Supporting pathogenic, (I) - Information, (SB) - Supporting benign

Literature cited by the submitters: PubMed 32179706.